The following is an entry in ClinVar:

NM_012338.4(TSPAN12):c.689T>C (p.Ile230Thr)

Gene: TSPAN12 (tetraspanin 12; minus strand). Cytogenetic location: 7q31.31.
Variant type: single nucleotide variant.
Coding change: c.689T>C on transcript NM_012338.4 (MANE Select); coding-DNA position 689, T replaced by C.
Protein change: p.Ile230Thr; replaces isoleucine 230 with threonine.
Molecular consequence: missense variant.
Genome position (GRCh38, 1-based): chr7:120,788,821, A>G on the plus strand (T>C on the coding strand, the complement: TSPAN12 is on the minus strand). VCF-style: chr7-120788821-A-G. GRCh37 (hg19) VCF-style: chr7-120428875-A-G.
Other names: short protein forms I230T.
Identifiers: ClinVar variation 939827 (VCV000939827.10), dbSNP rs760786037, ClinGen allele CA4453822.

ClinVar aggregate classification (germline): Uncertain significance. Review status: criteria provided, multiple submitters, no conflicts (2 of 4 stars). 3 submissions from 3 submitters: Uncertain significance (3). Last evaluated 2023-11-28.

Conditions:
Exudative vitreoretinopathy 5 (EVR5). Identifiers: Orphanet 891, MedGen C2750079, MONDO:0013218, OMIM 613310.

Allele frequency attached by ClinVar (database versions not stated): gnomAD exomes 0.00001 and 0.00003; ExAC 0.00002; gnomAD 0.00003; TOPMed 0.00003.
gnomAD v4.1: 20 of 1,614,046 alleles (0.0012%); highest among the groups gnomAD compares: Admixed American, 0.0083%; no homozygotes.

Submissions (3):

Labcorp Genetics (formerly Invitae), Labcorp
Classification: Uncertain significance. Last evaluated: 2023-11-28. Review status: criteria provided, single submitter. Criteria: Invitae Variant Classification Sherloc (09022015). Collection method: clinical testing. Allele origin: germline.
Comment: This sequence change replaces isoleucine, which is neutral and non-polar, with threonine, which is neutral and polar, at codon 230 of the TSPAN12 protein (p.Ile230Thr). This variant is present in population databases (rs760786037, gnomAD 0.01%). This missense change has been observed in individual(s) with early-onset high myopia with bilateral optic nerve hypoplasia and mild fibrosis and/or familial exudative vitreoretinopathy (PMID: 33907885, 34860240). ClinVar contains an entry for this variant (Variation ID: 939827). Advanced modeling of protein sequence and biophysical properties (such as structural, functional, and spatial information, amino acid conservation, physicochemical variation, residue mobility, and thermodynamic stability) performed at Invitae indicates that this missense variant is not expected to disrupt TSPAN12 protein function with a negative predictive value of 80%. This variant disrupts the p.Ile230 amino acid residue in TSPAN12. Other variant(s) that disrupt this residue have been observed in individuals with TSPAN12-related conditions (PMID: 34860240), which suggests that this may be a clinically significant amino acid residue. In summary, the available evidence is currently insufficient to determine the role of this variant in disease. Therefore, it has been classified as a Variant of Uncertain Significance.

Blueprint Genetics
Classification: Uncertain significance. Last evaluated: 2022-09-05. Review status: criteria provided, single submitter. Criteria: ACMG Guidelines, 2015. Collection method: clinical testing. Allele origin: germline.

Department of Pathology and Laboratory Medicine, Sinai Health System
Classification: Uncertain significance for Exudative vitreoretinopathy 5. Last evaluated: 2021-11-15. Review status: criteria provided, single submitter. Criteria: ACMG Guidelines, 2015. Collection method: research. Allele origin: germline.

Literature cited by the submitters: PubMed 33907885 (cited by Labcorp Genetics (formerly Invitae), Labcorp); PubMed 34860240 (cited by Labcorp Genetics (formerly Invitae), Labcorp).